The following is an entry in ClinVar:

NM_001114753.3(ENG):c.943G>T (p.Val315Leu)

Gene: ENG (endoglin; minus strand). Cytogenetic location: 9q34.11.
Variant type: single nucleotide variant.
Coding change: c.943G>T on transcript NM_001114753.3 (MANE Select); coding-DNA position 943, G replaced by T.
Protein change: p.Val315Leu; replaces valine 315 with leucine.
Molecular consequence: missense variant.
Genome position (GRCh38, 1-based): chr9:127,824,848, C>A on the plus strand (G>T on the coding strand, the complement: ENG is on the minus strand). VCF-style: chr9-127824848-C-A. GRCh37 (hg19) VCF-style: chr9-130587127-C-A.
Other names: c.943G>T, p.Val315Leu (NM_000118.4, NM_001406715.1); c.397G>T, p.Val133Leu (NM_001278138.2); short protein forms V133L, V315L.
Identifiers: ClinVar variation 2822240 (VCV002822240.3), dbSNP rs763508329, ClinGen allele CA374982134.

ClinVar aggregate classification (germline): Uncertain significance (1 of 4 stars; one submission).

Conditions:
Hereditary hemorrhagic telangiectasia (HHT). Also called: ORW DISEASE; Osler Weber Rendu syndrome; OSLER-RENDU-WEBER DISEASE; Osler hemorrhagic telangiectasia syndrome. Identifiers: Orphanet 774, MedGen C0039445, MONDO:0019180. Disease mechanism: loss of function.

Submission:

Labcorp Genetics (formerly Invitae), Labcorp
Classification: Uncertain significance for Hereditary hemorrhagic telangiectasia. Last evaluated: 2022-12-19. Review status: criteria provided, single submitter. Criteria: Invitae Variant Classification Sherloc (09022015). Collection method: clinical testing. Allele origin: germline.
Comment: In summary, the available evidence is currently insufficient to determine the role of this variant in disease. Therefore, it has been classified as a Variant of Uncertain Significance. Advanced modeling of protein sequence and biophysical properties (such as structural, functional, and spatial information, amino acid conservation, physicochemical variation, residue mobility, and thermodynamic stability) performed at Invitae indicates that this missense variant is not expected to disrupt ENG protein function. This variant has not been reported in the literature in individuals affected with ENG-related conditions. This variant is not present in population databases (gnomAD no frequency). This sequence change replaces valine, which is neutral and non-polar, with leucine, which is neutral and non-polar, at codon 315 of the ENG protein (p.Val315Leu).